The following is an entry in ClinVar:

NM_000330.4(RS1):c.320G>A (p.Gly107Asp)

Genes: CDKL5 (cyclin dependent kinase like 5; plus strand), RS1 (retinoschisin 1; minus strand). Cytogenetic location: Xp22.13.
Variant type: single nucleotide variant.
Coding change: c.320G>A on transcript NM_000330.4 (MANE Select); coding-DNA position 320, G replaced by A.
Protein change: p.Gly107Asp; replaces glycine 107 with aspartic acid.
Molecular consequence: missense variant. On other transcripts: intron variant (2).
Genome position (GRCh38, 1-based): chrX:18,647,197, C>T on the plus strand (G>A on the coding strand, the complement: RS1 is on the minus strand). VCF-style: chrX-18647197-C-T. GRCh37 (hg19) VCF-style: chrX-18665317-C-T.
Other names: c.2797+1107C>T (NM_003159.3, NM_001037343.2); short protein forms G107D.
Identifiers: ClinVar variation 1011347 (VCV001011347.8), dbSNP rs143682861, ClinGen allele CA327012290.
Genomic context (GRCh38, chrX:18,647,197, plus strand): 5'-GAGGCCTATTTTTTTTTAAAAGCACATGAAAAAAAATCCCCGGGCCCTGCTTACCCAAAG[C>T]CTTGACTGTTGAGCCGGGCCTTGTTTGCAGTCCACGAAGAATACCAGCCCACATACTGCT-3'
Protein context (NP_000321.1, residues 97-117): TANKARLNSQ[Gly107Asp]FGCAWLSKFQ

ClinVar aggregate classification (germline): Uncertain significance. Review status: criteria provided, single submitter (1 of 4 stars). 2 submissions from 2 submitters: Uncertain significance (1). 1 of the submissions does not count toward it. Last evaluated 2022-07-12.

Conditions:
Juvenile retinoschisis (RS1). Also called: X-linked retinoschisis; X-Linked Juvenile Retinoschisis. Identifiers: Orphanet 792, MedGen C3714753, MONDO:0010725, OMIM 312700.

Allele frequency attached by ClinVar (database versions not stated): TOPMed 0.00002; gnomAD 0.00001 and 0.00002.
gnomAD v4.1: 14 of 1,208,761 alleles (0.0012%); highest among the groups gnomAD compares: African/African-American, 0.023%; no homozygotes.

Submissions (2):

Labcorp Genetics (formerly Invitae), Labcorp
Classification: Uncertain significance. Last evaluated: 2022-07-12. Review status: criteria provided, single submitter. Criteria: Invitae Variant Classification Sherloc (09022015). Collection method: clinical testing. Allele origin: germline.
Comment: This sequence change replaces glycine, which is neutral and non-polar, with aspartic acid, which is acidic and polar, at codon 107 of the RS1 protein (p.Gly107Asp). This variant is present in population databases (no rsID available, gnomAD 0.01%). This variant has not been reported in the literature in individuals affected with RS1-related conditions. ClinVar contains an entry for this variant (Variation ID: 1011347). Advanced modeling of protein sequence and biophysical properties (such as structural, functional, and spatial information, amino acid conservation, physicochemical variation, residue mobility, and thermodynamic stability) performed at Invitae indicates that this missense variant is expected to disrupt RS1 protein function. In summary, the available evidence is currently insufficient to determine the role of this variant in disease. Therefore, it has been classified as a Variant of Uncertain Significance.

Natera, Inc.
Classification: Uncertain significance for X-linked retinoschisis. Last evaluated: 2020-09-08. Review status: no assertion criteria provided. Collection method: clinical testing. Allele origin: germline. Not counted in ClinVar's aggregate classification.